The following is an entry in ClinVar:

NM_017780.4(CHD7):c.6124A>G (p.Ile2042Val)

Gene: CHD7 (chromodomain helicase DNA binding protein 7; plus strand). Cytogenetic location: 8q12.2.
Variant type: single nucleotide variant.
Coding change: c.6124A>G on transcript NM_017780.4 (MANE Select); coding-DNA position 6124, A replaced by G.
Protein change: p.Ile2042Val; replaces isoleucine 2042 with valine.
Molecular consequence: missense variant. On other transcripts: intron variant (1).
Genome position (GRCh38, 1-based): chr8:60,852,849, A>G. VCF-style: chr8-60852849-A-G. GRCh37 (hg19) VCF-style: chr8-61765408-A-G.
Other names: c.1717-9380A>G (NM_001316690.1); short protein forms I2042V.
Identifiers: ClinVar variation 3701981 (VCV003701981.2).

ClinVar aggregate classification (germline): Uncertain significance (1 of 4 stars; one submission).

Conditions:
CHARGE syndrome (CHARGE). Also called: Hittner Hirsch Kreh syndrome; CHARGE ASSOCIATION--COLOBOMA, HEART ANOMALY, CHOANAL ATRESIA, RETARDATION, GENITAL AND EAR ANOMALIES; Coloboma, heart anomaly, choanal atresia, retardation, genital and ear anomalies; CHARGE association; Hall-Hittner syndrome. Identifiers: Orphanet 138, MedGen C0265354, MONDO:0008965.

Submission:

Labcorp Genetics (formerly Invitae), Labcorp
Classification: Uncertain significance for CHARGE syndrome. Last evaluated: 2024-08-28. Review status: criteria provided, single submitter. Criteria: Invitae Variant Classification Sherloc (09022015). Collection method: clinical testing. Allele origin: germline.
Comment: This sequence change replaces isoleucine, which is neutral and non-polar, with valine, which is neutral and non-polar, at codon 2042 of the CHD7 protein (p.Ile2042Val). This variant is not present in population databases (gnomAD no frequency). This variant has not been reported in the literature in individuals affected with CHD7-related conditions. Invitae Evidence Modeling of protein sequence and biophysical properties (such as structural, functional, and spatial information, amino acid conservation, physicochemical variation, residue mobility, and thermodynamic stability) indicates that this missense variant is not expected to disrupt CHD7 protein function with a negative predictive value of 95%. In summary, the available evidence is currently insufficient to determine the role of this variant in disease. Therefore, it has been classified as a Variant of Uncertain Significance.